The following is an entry in ClinVar:

ClinVar aggregate classification (germline): Uncertain significance (1 of 4 stars; one submission).

Conditions:
ASS1-related disorder. Also called: ASS1-related condition.

Submission:

PreventionGenetics, part of Exact Sciences
Classification: Uncertain significance for ASS1-related condition. Last evaluated: 2022-08-30. Review status: criteria provided, single submitter. Criteria: ACMG Guidelines, 2015. Collection method: clinical testing. Allele origin: germline.
Comment: The ASS1 c.824G>T variant is predicted to result in the amino acid substitution p.Gly275Val. To our knowledge, this variant has not been reported in the literature or in a large population database, indicating this variant is rare. At this time, the clinical significance of this variant is uncertain due to the absence of conclusive functional and genetic evidence.

NM_054012.4(ASS1):c.824G>T (p.Gly275Val)

Gene: ASS1 (argininosuccinate synthase 1; plus strand). Cytogenetic location: 9q34.11.
Variant type: single nucleotide variant.
Coding change: c.824G>T on transcript NM_054012.4 (MANE Select); coding-DNA position 824, G replaced by T.
Protein change: p.Gly275Val; replaces glycine 275 with valine.
Molecular consequence: missense variant.
Genome position (GRCh38, 1-based): chr9:130,480,435, G>T. VCF-style: chr9-130480435-G-T. GRCh37 (hg19) VCF-style: chr9-133355822-G-T.
Other names: c.824G>T, p.Gly275Val (NM_000050.4); short protein forms G275V.
Identifiers: ClinVar variation 2636500 (VCV002636500.1), dbSNP rs2118841789, ClinGen allele CA375229512.